The following is an entry in ClinVar:

NM_001083111.2(GNRH1):c.92G>A (p.Arg31His)

Gene: GNRH1 (gonadotropin releasing hormone 1; minus strand). Cytogenetic location: 8p21.2.
Variant type: single nucleotide variant.
Coding change: c.92G>A on transcript NM_001083111.2 (MANE Select); coding-DNA position 92, G replaced by A.
Protein change: p.Arg31His; replaces arginine 31 with histidine.
Molecular consequence: missense variant.
Genome position (GRCh38, 1-based): chr8:25,423,239, C>T on the plus strand (G>A on the coding strand, the complement: GNRH1 is on the minus strand). VCF-style: chr8-25423239-C-T. GRCh37 (hg19) VCF-style: chr8-25280755-C-T.
Other names: c.104G>A, p.Arg35His (NM_000825.3); short protein forms R31H, R35H.
Identifiers: ClinVar variation 1452079 (VCV001452079.9), dbSNP rs1336171284, ClinGen allele CA370774100.
Genomic context (GRCh38, chr8:25,423,239, plus strand): 5'-GAGAAACTTACCTCTTGGAAAGAATCAATCAAATTTTCGGCATCTCTCTTTCCTCCAGGG[C>T]GCAGTCCATAGGACCAGTGCTGGCTGGAGCAGCCTTCCACGCACCAAGTCAGTAGAATAA-3'
Protein context (NP_001076580.1, residues 21-41): CSSQHWSYGL[Arg31His]PGGKRDAENL

ClinVar aggregate classification (germline): Conflicting classifications of pathogenicity. Review status: criteria provided, conflicting classifications (1 of 4 stars). 4 submissions from 4 submitters: Pathogenic (2); Likely pathogenic (1); Uncertain significance (1). Last evaluated 2025-12-03.

Conditions:
Hypogonadotropic hypogonadism. Also called: Hypogonadotropic hypogonadism with or without anosmia; Low gonadotropins (secondary hypogonadism); Hypogonadotrophic hypogonadism; Isolated hypogonadotropic hypogonadism. Identifiers: Orphanet 432, MedGen C0271623, MONDO:0018555, HP:0000044.
GNRH1-related disorders.
Hypogonadotropic hypogonadism 12 with or without anosmia (HH12). Also called: Gonadotropin deficiency familial idiopathic; GNRH1-Related GnRH Deficiency. Identifiers: Orphanet 432, MedGen C1856897, MONDO:0013914, OMIM 614841.

Allele frequency attached by ClinVar (database versions not stated): gnomAD exomes below 0.00001 and 0.00001; gnomAD 0.00001; TOPMed 0.00001.

Submissions (4):

Cambridge Genomics Laboratory, East Genomic Laboratory Hub, NHS Genomic Medicine Service
Classification: Uncertain significance for Hypogonadotropic hypogonadism. Last evaluated: 2025-12-03. Review status: criteria provided, single submitter. Criteria: ACGS Best Practice Guidelines for Variant Classification in Rare Disease 2020. Collection method: clinical testing. Allele origin: germline. Affected: yes.
Comment: PS4_Supporting,PM2,PM3_Supporting,PP4,BP4

Genomic Medicine Center of Excellence, King Faisal Specialist Hospital and Research Centre
Classification: Likely pathogenic for Hypogonadotropic hypogonadism 12 with or without anosmia. Last evaluated: 2024-03-29. Review status: criteria provided, single submitter. Criteria: ACMG Guidelines, 2015. Collection method: clinical testing. Allele origin: germline.

Labcorp Genetics (formerly Invitae), Labcorp
Classification: Pathogenic. Last evaluated: 2024-02-14. Review status: criteria provided, single submitter. Criteria: Invitae Variant Classification Sherloc (09022015). Collection method: clinical testing. Allele origin: germline.
Comment: This sequence change replaces arginine, which is basic and polar, with histidine, which is basic and polar, at codon 35 of the GNRH1 protein (p.Arg35His). This variant is present in population databases (no rsID available, gnomAD 0.0009%). This missense change has been observed in individuals with autosomal recessive hypogonadotropic hypogonadism (PMID: 26595427, 32813678; Invitae). It has also been observed to segregate with disease in related individuals. This variant is also known as p.R31H. ClinVar contains an entry for this variant (Variation ID: 1452079). Experimental studies and prediction algorithms are not available or were not evaluated, and the functional significance of this variant is currently unknown. For these reasons, this variant has been classified as Pathogenic.

Blueprint Genetics
Classification: Pathogenic for GNRH1-related disorders. Last evaluated: 2020-10-20. Review status: criteria provided, single submitter. Criteria: ACMG Guidelines, 2015. Collection method: clinical testing. Allele origin: germline. Affected: yes. Observed: 1 variant allele.

Literature cited by the submitters: PubMed 26595427 (cited by Labcorp Genetics (formerly Invitae), Labcorp); PubMed 32813678 (cited by Labcorp Genetics (formerly Invitae), Labcorp).